The following is an entry in ClinVar:

ClinVar aggregate classification (germline): Uncertain significance (1 of 4 stars; one submission).

gnomAD v4.1: 2 of 1,599,842 alleles (0.00013%); highest among the groups gnomAD compares: African/African-American, 0.0027%; no homozygotes.

Submission:

Labcorp Genetics (formerly Invitae), Labcorp
Classification: Uncertain significance. Last evaluated: 2025-07-22. Review status: criteria provided, single submitter. Criteria: Invitae Variant Classification Sherloc (09022015). Collection method: clinical testing. Allele origin: germline.
Comment: This sequence change replaces alanine, which is neutral and non-polar, with glycine, which is neutral and non-polar, at codon 481 of the CD2AP protein (p.Ala481Gly). This variant is not present in population databases (gnomAD no frequency). This variant has not been reported in the literature in individuals affected with CD2AP-related conditions. Invitae Evidence Modeling of protein sequence and biophysical properties (such as structural, functional, and spatial information, amino acid conservation, physicochemical variation, residue mobility, and thermodynamic stability) indicates that this missense variant is not expected to disrupt CD2AP protein function with a negative predictive value of 80%. In summary, the available evidence is currently insufficient to determine the role of this variant in disease. Therefore, it has been classified as a Variant of Uncertain Significance.

NM_012120.3(CD2AP):c.1442C>G (p.Ala481Gly)

Gene: CD2AP (CD2 associated protein; plus strand). Cytogenetic location: 6p12.3.
Variant type: single nucleotide variant.
Coding change: c.1442C>G on transcript NM_012120.3 (MANE Select); coding-DNA position 1442, C replaced by G.
Protein change: p.Ala481Gly; replaces alanine 481 with glycine.
Molecular consequence: missense variant.
Genome position (GRCh38, 1-based): chr6:47,606,189, C>G. VCF-style: chr6-47606189-C-G. GRCh37 (hg19) VCF-style: chr6-47573925-C-G.
Other names: short protein forms A481G.
Identifiers: ClinVar variation 4760930 (VCV004760930.1).